The following is an entry in ClinVar:

NM_000038.6(APC):c.8420C>G (p.Thr2807Ser)

Gene: APC (APC regulator of Wnt signaling pathway; plus strand). Cytogenetic location: 5q22.2.
Variant type: single nucleotide variant.
Coding change: c.8420C>G on transcript NM_000038.6 (MANE Select); coding-DNA position 8420, C replaced by G.
Protein change: p.Thr2807Ser; replaces threonine 2807 with serine.
Molecular consequence: missense variant.
Genome position (GRCh38, 1-based): chr5:112,844,014, C>G. VCF-style: chr5-112844014-C-G. GRCh37 (hg19) VCF-style: chr5-112179711-C-G.
Other names: c.8420C>G, p.Thr2807Ser (NM_001127510.3, NM_001354895.2); c.8366C>G, p.Thr2789Ser (NM_001127511.3); c.8474C>G, p.Thr2825Ser (NM_001354896.2); c.8450C>G, p.Thr2817Ser (NM_001354897.2); c.8345C>G, p.Thr2782Ser (NM_001354898.2); c.8336C>G, p.Thr2779Ser (NM_001354899.2); c.8297C>G, p.Thr2766Ser (NM_001354900.2); c.8243C>G, p.Thr2748Ser (NM_001354901.2); and 5 more; short protein forms T2647S, T2716S, T2825S, T2681S, T2766S, T2789S, T2817S, T2748S.
Identifiers: ClinVar variation 641409 (VCV000641409.11), dbSNP rs1561623041, ClinGen allele CA16039601.

ClinVar aggregate classification (germline): Uncertain significance. Review status: criteria provided, multiple submitters, no conflicts (2 of 4 stars). 2 submissions from 2 submitters: Uncertain significance (2). Last evaluated 2022-07-22.

Conditions:
Familial adenomatous polyposis 1 (FAP1). Also called: FAMILIAL ADENOMATOUS POLYPOSIS 1, ATTENUATED; POLYPOSIS, ADENOMATOUS INTESTINAL. Identifiers: MedGen C2713442, MONDO:0021056, OMIM 175100. Disease mechanism: loss of function.

Allele frequency attached by ClinVar (database versions not stated): gnomAD exomes below 0.00001.

Submissions (2):

Blueprint Genetics
Classification: Uncertain significance. Last evaluated: 2022-07-22. Review status: criteria provided, single submitter. Criteria: ACMG Guidelines, 2015. Collection method: clinical testing. Allele origin: germline.

Labcorp Genetics (formerly Invitae), Labcorp
Classification: Uncertain significance for Familial adenomatous polyposis 1. Last evaluated: 2018-10-22. Review status: criteria provided, single submitter. Criteria: Invitae Variant Classification Sherloc (09022015). Collection method: clinical testing. Allele origin: germline.
Comment: This variant is not present in population databases (ExAC no frequency). This variant has not been reported in the literature in individuals with APC-related disease. Algorithms developed to predict the effect of missense changes on protein structure and function are either unavailable or do not agree on the potential impact of this missense change (SIFT: "Deleterious"; PolyPhen-2: "Probably Damaging"; Align-GVGD: "Class C0"). In summary, the available evidence is currently insufficient to determine the role of this variant in disease. Therefore, it has been classified as a Variant of Uncertain Significance. This sequence change replaces threonine with serine at codon 2807 of the APC protein (p.Thr2807Ser). The threonine residue is highly conserved and there is a small physicochemical difference between threonine and serine.